The following is an entry in ClinVar:

NM_005585.5(SMAD6):c.613T>G (p.Cys205Gly)

Gene: SMAD6 (SMAD family member 6; plus strand). Cytogenetic location: 15q22.31.
Variant type: single nucleotide variant.
Coding change: c.613T>G on transcript NM_005585.5 (MANE Select); coding-DNA position 613, T replaced by G.
Protein change: p.Cys205Gly; replaces cysteine 205 with glycine.
Molecular consequence: missense variant. On other transcripts: non-coding transcript variant (1).
Genome position (GRCh38, 1-based): chr15:66,703,871, T>G. VCF-style: chr15-66703871-T-G. GRCh37 (hg19) VCF-style: chr15-66996209-T-G.
Other names: short protein forms C205G.
Identifiers: ClinVar variation 2788118 (VCV002788118.4), dbSNP rs1595757271, ClinGen allele CA392949896.
Genomic context (GRCh38, chr15:66,703,871, plus strand): 5'-GAGCGCTCGCTGGACACGCTGCTGGAGGCGGTGGAGTCCCGCGGCGGCGTGCCGGGCGGC[T>G]GCGTGCTGGTGCCGCGCGCCGACCTCCGCCTGGGCGGCCAGCCCGCGCCGCCGCAGCTGC-3'
Protein context (NP_005576.3, residues 195-215): VESRGGVPGG[Cys205Gly]VLVPRADLRL

ClinVar aggregate classification (germline): Uncertain significance. Review status: criteria provided, multiple submitters, no conflicts (2 of 4 stars). 2 submissions from 2 submitters: Uncertain significance (2). Last evaluated 2025-06-09.

Conditions:
Aortic valve disease 2 (AOVD2). Identifiers: MedGen C3542024, MONDO:0013902, OMIM 614823.

gnomAD v4.1: 5 of 1,318,790 alleles (0.00038%); highest among the groups gnomAD compares: Non-Finnish European, 0.00049%; no homozygotes.

Submissions (2):

Women's Health and Genetics/Laboratory Corporation of America, LabCorp
Classification: Uncertain significance. Last evaluated: 2025-06-09. Review status: criteria provided, single submitter. Criteria: LabCorp Variant Classification Summary - May 2015. Collection method: clinical testing. Allele origin: germline.

Labcorp Genetics (formerly Invitae), Labcorp
Classification: Uncertain significance for Aortic valve disease 2. Last evaluated: 2023-01-13. Review status: criteria provided, single submitter. Criteria: Invitae Variant Classification Sherloc (09022015). Collection method: clinical testing. Allele origin: germline.
Comment: In summary, the available evidence is currently insufficient to determine the role of this variant in disease. Therefore, it has been classified as a Variant of Uncertain Significance. Advanced modeling of protein sequence and biophysical properties (such as structural, functional, and spatial information, amino acid conservation, physicochemical variation, residue mobility, and thermodynamic stability) performed at Invitae indicates that this missense variant is expected to disrupt SMAD6 protein function. This variant has not been reported in the literature in individuals affected with SMAD6-related conditions. This variant is not present in population databases (gnomAD no frequency). This sequence change replaces cysteine, which is neutral and slightly polar, with glycine, which is neutral and non-polar, at codon 205 of the SMAD6 protein (p.Cys205Gly).